The following is an entry in ClinVar:

NM_001365951.3(KIF1B):c.429+1G>A

Genes: KIF1B (kinesin family member 1B; plus strand), LOC129388447 (MPRA-validated peak65 silencer; plus strand). Cytogenetic location: 1p36.22.
Variant type: single nucleotide variant.
Coding change: c.429+1G>A on transcript NM_001365951.3 (MANE Select); the canonical splice donor site of the intron after coding-DNA position 429, G replaced by A.
Molecular consequence: splice donor variant.
Genome position (GRCh38, 1-based): chr1:10,261,971, G>A. VCF-style: chr1-10261971-G-A. GRCh37 (hg19) VCF-style: chr1-10322029-G-A.
Other names: c.429+1G>A (NM_183416.4, NM_015074.3, NM_001365952.1 and 1 more transcripts).
Identifiers: ClinVar variation 1739426 (VCV001739426.2), dbSNP rs2520967972, ClinGen allele CA338327261.

ClinVar aggregate classification (germline): Uncertain significance (1 of 4 stars; one submission).

Submission:

Ambry Genetics
Classification: Uncertain significance. Last evaluated: 2022-08-22. Review status: criteria provided, single submitter. Criteria: Ambry Variant Classification Scheme 2023. Collection method: clinical testing. Allele origin: germline.
Comment: The c.429+1G>A intronic variant results from a G to A substitution one nucleotide after coding exon 4 of the KIF1B gene. This nucleotide position is highly conserved in available vertebrate species. In silico splice site analysis predicts that this alteration will weaken the native splice donor site and will result in the creation or strengthening of a novel splice donor site. Alterations that disrupt the canonical splice site are expected to cause aberrant splicing, resulting in an abnormal protein or a transcript that is subject to nonsense-mediated mRNA decay. The evidence for this gene-disease relationship is limited; therefore, the clinical significance of this alteration is unclear.